The following is an entry in ClinVar:

NM_001379500.1(COL18A1):c.107-12130G>A

Gene: COL18A1 (collagen type XVIII alpha 1 chain; plus strand). Cytogenetic location: 21q22.3.
Variant type: single nucleotide variant.
Coding change: c.107-12130G>A on transcript NM_001379500.1 (MANE Select); 12130 bases into the intron before coding-DNA position 107, G replaced by A.
Molecular consequence: intron variant. On other transcripts: synonymous variant (2).
Genome position (GRCh38, 1-based): chr21:45,456,112, G>A. VCF-style: chr21-45456112-G-A. GRCh37 (hg19) VCF-style: chr21-46876026-G-A.
Other names: c.582G>A, p.Ser194= (NM_030582.4, NM_130444.3); c.582G>A (NM_030582.3).
Identifiers: ClinVar variation 1613537 (VCV001613537.10), dbSNP rs372854150, ClinGen allele CA10065518.
Genomic context (GRCh38, chr21:45,456,112, plus strand): 5'-TCCTAGCTCTCCGGGCGCCCACACAACCGAGGCTGGCACCTTGCCTGCACCCACCCCATC[G>A]CCTCCCTCCCTGGGCAGGCCCTGGGCACCACTCACGGGGCCCTCAGTGCCACCACCATCT-3'

ClinVar aggregate classification (germline): Likely benign. Review status: criteria provided, single submitter (1 of 4 stars). 2 submissions from 2 submitters: Likely benign (1). 1 of the submissions does not count toward it. Last evaluated 2025-04-08.

Conditions:
COL18A1-related disorder. Also called: COL18A1-related condition; COL18A1-related disorders.

Allele frequency attached by ClinVar (database versions not stated): ExAC 0.00002; ESP Exome Variant Server 0.00008.
gnomAD v4.1: 48 of 1,587,910 alleles (0.003%); highest among the groups gnomAD compares: African/African-American, 0.0081%; no homozygotes.

Submissions (2):

Labcorp Genetics (formerly Invitae), Labcorp
Classification: Likely benign. Last evaluated: 2025-04-08. Review status: criteria provided, single submitter. Criteria: Invitae Variant Classification Sherloc (09022015). Collection method: clinical testing. Allele origin: germline.

PreventionGenetics, part of Exact Sciences
Classification: Likely benign for COL18A1-related condition. Last evaluated: 2021-04-14. Review status: no assertion criteria provided. Collection method: clinical testing. Allele origin: germline. Not counted in ClinVar's aggregate classification.
Comment: This variant is classified as likely benign based on ACMG/AMP sequence variant interpretation guidelines (Richards et al. 2015 PMID: 25741868, with internal and published modifications).